The following is an entry in ClinVar:

ClinVar aggregate classification (germline): Uncertain significance. Review status: criteria provided, multiple submitters, no conflicts (2 of 4 stars). 2 submissions from 2 submitters: Uncertain significance (2). Last evaluated 2025-08-01.

Conditions:
Inborn genetic diseases. Identifiers: MedGen C0950123, MeSH D030342.

gnomAD v4.1: 10 of 1,597,004 alleles (0.00063%); highest among the groups gnomAD compares: Admixed American, 0.0017%; no homozygotes.

Submissions (2):

Ambry Genetics
Classification: Uncertain significance for Inborn genetic diseases. Last evaluated: 2025-08-01. Review status: criteria provided, single submitter. Criteria: Ambry Variant Classification Scheme 2023. Collection method: clinical testing. Allele origin: germline.

Women's Health and Genetics/Laboratory Corporation of America, LabCorp
Classification: Uncertain significance. Last evaluated: 2024-10-16. Review status: criteria provided, single submitter. Criteria: LabCorp Variant Classification Summary - May 2015. Collection method: clinical testing. Allele origin: germline.
Comment: Variant summary: AP3D1 c.1984G>A (p.Glu662Lys) results in a conservative amino acid change located in the AP-3 complex subunit delta domain of the encoded protein sequence. Three of five in-silico tools predict a benign effect of the variant on protein function. The frequency data for this variant in gnomAD is considered unreliable, as metrics indicate poor data quality at this position. To our knowledge, no occurrence of c.1984G>A in individuals affected with Hermansky-Pudlak Syndrome and no experimental evidence demonstrating its impact on protein function have been reported. No submitters have cited clinical-significance assessments for this variant to ClinVar. Based on the evidence outlined above, the variant was classified as uncertain significance.

NM_001261826.3(AP3D1):c.1984G>A (p.Glu662Lys)

Gene: AP3D1 (adaptor related protein complex 3 subunit delta 1; minus strand). Cytogenetic location: 19p13.3.
Variant type: single nucleotide variant.
Coding change: c.1984G>A on transcript NM_001261826.3 (MANE Select); coding-DNA position 1984, G replaced by A.
Protein change: p.Glu662Lys; replaces glutamic acid 662 with lysine.
Molecular consequence: missense variant.
Genome position (GRCh38, 1-based): chr19:2,116,622, C>T on the plus strand (G>A on the coding strand, the complement: AP3D1 is on the minus strand). VCF-style: chr19-2116622-C-T. GRCh37 (hg19) VCF-style: chr19-2116621-C-T.
Other names: c.1984G>A (NM_003938.5); c.1984G>A, p.Glu662Lys (NM_001374799.1, NM_003938.8); short protein forms E662K.
Identifiers: ClinVar variation 3385281 (VCV003385281.2).